The following is an entry in ClinVar:

NM_000435.3(NOTCH3):c.1349T>G (p.Ile450Arg)

Gene: NOTCH3 (notch receptor 3; minus strand). Cytogenetic location: 19p13.12.
Variant type: single nucleotide variant.
Coding change: c.1349T>G on transcript NM_000435.3 (MANE Select); coding-DNA position 1349, T replaced by G.
Protein change: p.Ile450Arg; replaces isoleucine 450 with arginine.
Molecular consequence: missense variant.
Genome position (GRCh38, 1-based): chr19:15,189,018, A>C on the plus strand (T>G on the coding strand, the complement: NOTCH3 is on the minus strand). VCF-style: chr19-15189018-A-C. GRCh37 (hg19) VCF-style: chr19-15299829-A-C.
Other names: short protein forms I450R.
Identifiers: ClinVar variation 3698461 (VCV003698461.10).

ClinVar aggregate classification (germline): Uncertain significance. Review status: criteria provided, multiple submitters, no conflicts (2 of 4 stars). 2 submissions from 2 submitters: Uncertain significance (2). Last evaluated 2025-06-01.

gnomAD v4.1: 17 of 1,612,148 alleles (0.0011%); highest among the groups gnomAD compares: Non-Finnish European, 0.0014%; no homozygotes.

Submissions (2):

CeGaT Center for Human Genetics Tuebingen
Classification: Uncertain significance. Last evaluated: 2025-06-01. Review status: criteria provided, single submitter. Criteria: CeGaT Center For Human Genetics Tuebingen Variant Classification Criteria Version 2. Collection method: clinical testing. Allele origin: germline. Affected: yes. Observed: 1 variant allele.

Labcorp Genetics (formerly Invitae), Labcorp
Classification: Uncertain significance. Last evaluated: 2024-10-30. Review status: criteria provided, single submitter. Criteria: Invitae Variant Classification Sherloc (09022015). Collection method: clinical testing. Allele origin: germline.
Comment: This sequence change replaces isoleucine, which is neutral and non-polar, with arginine, which is basic and polar, at codon 450 of the NOTCH3 protein (p.Ile450Arg). This variant is present in population databases (rs775463640, gnomAD 0.002%). This variant has not been reported in the literature in individuals affected with NOTCH3-related conditions. Invitae Evidence Modeling of protein sequence and biophysical properties (such as structural, functional, and spatial information, amino acid conservation, physicochemical variation, residue mobility, and thermodynamic stability) has been performed for this missense variant. However, the output from this modeling did not meet the statistical confidence thresholds required to predict the impact of this variant on NOTCH3 protein function. In summary, the available evidence is currently insufficient to determine the role of this variant in disease. Therefore, it has been classified as a Variant of Uncertain Significance.